The following is an entry in ClinVar:

ClinVar aggregate classification (germline): Uncertain significance (1 of 4 stars; one submission).

Submission:

CeGaT Center for Human Genetics Tuebingen
Classification: Uncertain significance. Last evaluated: 2023-11-01. Review status: criteria provided, single submitter. Criteria: CeGaT Center For Human Genetics Tuebingen Variant Classification Criteria Version 2. Collection method: clinical testing. Allele origin: germline. Affected: yes. Observed: 1 variant allele.
Comment: CACNA1A: PM2, BP4

NM_001127222.2(CACNA1A):c.1255+5C>T

Gene: CACNA1A (calcium voltage-gated channel subunit alpha1 A; minus strand). Cytogenetic location: 19p13.13.
Variant type: single nucleotide variant.
Coding change: c.1255+5C>T on transcript NM_001127222.2 (MANE Select); 5 bases into the intron after coding-DNA position 1255, C replaced by T.
Molecular consequence: intron variant.
Genome position (GRCh38, 1-based): chr19:13,332,864, G>A on the plus strand (C>T on the coding strand, the complement: CACNA1A is on the minus strand). VCF-style: chr19-13332864-G-A. GRCh37 (hg19) VCF-style: chr19-13443678-G-A.
Other names: c.1255+5C>T (NM_001127221.2, NM_001174080.2, NM_000068.4 and 1 more transcripts).
Identifiers: ClinVar variation 2672746 (VCV002672746.23), dbSNP rs2513041377, ClinGen allele CA2695198146.